The following is an entry in ClinVar:

NM_018026.4(PACS1):c.2549A>G (p.Lys850Arg)

Gene: PACS1 (phosphofurin acidic cluster sorting protein 1; plus strand). Cytogenetic location: 11q13.2.
Variant type: single nucleotide variant.
Coding change: c.2549A>G on transcript NM_018026.4 (MANE Select); coding-DNA position 2549, A replaced by G.
Protein change: p.Lys850Arg; replaces lysine 850 with arginine.
Molecular consequence: missense variant.
Genome position (GRCh38, 1-based): chr11:66,241,546, A>G. VCF-style: chr11-66241546-A-G. GRCh37 (hg19) VCF-style: chr11-66009017-A-G.
Other names: short protein forms K850R.
Identifiers: ClinVar variation 1199666 (VCV001199666.8), dbSNP rs772469681, ClinGen allele CA6116902.
Genomic context (GRCh38, chr11:66,241,546, plus strand): 5'-ACCCCGGGGAGCGGAGGAGGGAAGGCGACAAGAGGGACGCCAGCTCGAAGAACACCCTCA[A>G]GAGTGTCTTCCGCTCAGTGCAGGTGTCCCGCCTGCCCCATAGTGGGGAGGCCCAGCTTTC-3'
Protein context (NP_060496.2, residues 840-860): KRDASSKNTL[Lys850Arg]SVFRSVQVSR

ClinVar aggregate classification (germline): Benign/Likely benign. Review status: criteria provided, multiple submitters, no conflicts (2 of 4 stars). 2 submissions from 2 submitters: Benign (1); Likely benign (1). Last evaluated 2025-12-01.

Conditions:
Schuurs-Hoeijmakers syndrome. Also called: PACS1-Related Neurodevelopmental Disorder. Identifiers: Orphanet 329224, MedGen C3554343, MONDO:0014006, OMIM 615009.

Allele frequency attached by ClinVar (database versions not stated): TOPMed 0.00001; gnomAD 0.00003; ExAC 0.00001; gnomAD exomes below 0.00001.
gnomAD v4.1: 6 of 1,614,088 alleles (0.00037%); highest among the groups gnomAD compares: African/African-American, 0.0067%; no homozygotes.

Submissions (2):

Labcorp Genetics (formerly Invitae), Labcorp
Classification: Benign for Schuurs-Hoeijmakers syndrome. Last evaluated: 2025-12-01. Review status: criteria provided, single submitter. Criteria: Invitae Variant Classification Sherloc (09022015). Collection method: clinical testing. Allele origin: germline.

GeneDx
Classification: Likely benign. Last evaluated: 2019-10-18. Review status: criteria provided, single submitter. Criteria: GeneDx Variant Classification Process June 2021. Collection method: clinical testing. Allele origin: germline. Affected: yes.
Comment: Has not been previously published as pathogenic or benign to our knowledge; In silico analysis, which includes protein predictors and evolutionary conservation, supports that this variant does not alter protein structure/function